The following is an entry in ClinVar:

ClinVar aggregate classification (germline): Conflicting classifications of pathogenicity. Review status: criteria provided, conflicting classifications (1 of 4 stars). 2 submissions from 2 submitters: Uncertain significance (1); Likely benign (1). Last evaluated 2024-12-20.

Conditions:
GABRA2-related disorder. Also called: GABRA2-related condition.

Allele frequency attached by ClinVar (database versions not stated): TOPMed 0.00002.
gnomAD v4.1: 8 of 1,611,918 alleles (0.0005%); highest among the groups gnomAD compares: Non-Finnish European, 0.00068%; no homozygotes.

Submissions (2):

PreventionGenetics, part of Exact Sciences
Classification: Uncertain significance for GABRA2-related condition. Last evaluated: 2024-12-20. Review status: criteria provided, single submitter. Criteria: ACMG Guidelines, 2015. Collection method: clinical testing. Allele origin: germline.
Comment: The GABRA2 c.1214C>T variant is predicted to result in the amino acid substitution p.Ala405Val. To our knowledge, this variant has not been reported in the literature or in a large population database, indicating this variant is rare. At this time, the clinical significance of this variant is uncertain due to the absence of conclusive functional and genetic evidence.

Labcorp Genetics (formerly Invitae), Labcorp
Classification: Likely benign. Last evaluated: 2023-11-27. Review status: criteria provided, single submitter. Criteria: Invitae Variant Classification Sherloc (09022015). Collection method: clinical testing. Allele origin: germline.

NM_000807.4(GABRA2):c.1214C>T (p.Ala405Val)

Gene: GABRA2 (gamma-aminobutyric acid type A receptor subunit alpha2; minus strand). Cytogenetic location: 4p12.
Variant type: single nucleotide variant.
Coding change: c.1214C>T on transcript NM_000807.4 (MANE Select); coding-DNA position 1214, C replaced by T.
Protein change: p.Ala405Val; replaces alanine 405 with valine.
Molecular consequence: missense variant.
Genome position (GRCh38, 1-based): chr4:46,250,450, G>A on the plus strand (C>T on the coding strand, the complement: GABRA2 is on the minus strand). VCF-style: chr4-46250450-G-A. GRCh37 (hg19) VCF-style: chr4-46252467-G-A.
Other names: c.1214C>T, p.Ala405Val (NM_001377148.1, NM_001377149.1, NM_001377150.1 and 4 more transcripts); c.1049C>T, p.Ala350Val (NM_001377152.1, NM_001377153.1, NM_001377154.1); c.1229C>T, p.Ala410Val (NM_001286827.3); c.1394C>T, p.Ala465Val (NM_001330690.2, NM_001377144.1, NM_001377145.1); short protein forms A350V, A405V, A410V, A465V.
Identifiers: ClinVar variation 2630020 (VCV002630020.5), dbSNP rs1187844488, ClinGen allele CA356802408.